The following is an entry in ClinVar:

NM_032539.5(SLITRK2):c.1721G>A (p.Arg574Lys)

Gene: SLITRK2 (SLIT and NTRK like family member 2; plus strand). Cytogenetic location: Xq27.3.
Variant type: single nucleotide variant.
Coding change: c.1721G>A on transcript NM_032539.5 (MANE Select); coding-DNA position 1721, G replaced by A.
Protein change: p.Arg574Lys; replaces arginine 574 with lysine.
Molecular consequence: missense variant.
Genome position (GRCh38, 1-based): chrX:145,824,146, G>A. VCF-style: chrX-145824146-G-A. GRCh37 (hg19) VCF-style: chrX-144905664-G-A.
Other names: c.1721G>A, p.Arg574Lys (NM_001144003.3, NM_001144004.3, NM_001144005.3 and 4 more transcripts); short protein forms R574K.
Identifiers: ClinVar variation 2390336 (VCV002390336.3), dbSNP rs782420604, ClinGen allele CA10535202.
Genomic context (GRCh38, chrX:145,824,146, plus strand): 5'-ATGAGGTGACTTGCGAATCTCCTGCTAAGCATGCAGGGGAGATACTAAAATTTCTGGGGA[G>A]GGAGGCTATCTGTCCAGACAGCCCAAACTTGTCAGATGGAACCGTCTTGTCAATGAATCA-3'
Protein context (NP_115928.1, residues 564-584): HAGEILKFLG[Arg574Lys]EAICPDSPNL

ClinVar aggregate classification (germline): Uncertain significance. Review status: criteria provided, multiple submitters, no conflicts (2 of 4 stars). 2 submissions from 2 submitters: Uncertain significance (2). Last evaluated 2024-01-22.

Allele frequency attached by ClinVar (database versions not stated): gnomAD exomes 0.00001; ExAC 0.00002; TOPMed 0.00002.
gnomAD v4.1: 8 of 1,209,939 alleles (0.00066%); highest among the groups gnomAD compares: Non-Finnish European, 0.00089%; no homozygotes.

Submissions (2):

Women's Health and Genetics/Laboratory Corporation of America, LabCorp
Classification: Uncertain significance. Last evaluated: 2024-01-22. Review status: criteria provided, single submitter. Criteria: LabCorp Variant Classification Summary - May 2015. Collection method: clinical testing. Allele origin: germline.
Comment: Variant summary: SLITRK2 c.1721G>A (p.Arg574Lys) results in a conservative amino acid change located in the Cysteine-rich flanking region, C-terminal domain (IPR000483) of the encoded protein sequence. Five of five in-silico tools predict a benign effect of the variant on protein function. The variant allele was found at a frequency of 7.3e-06 in 1096639 control chromosomes including 3 hemizygotes. The available data on variant occurrences in the general population are insufficient to allow any conclusion about variant significance. To our knowledge, no occurrence of c.1721G>A in individuals affected with Intellectual Developmental Disorder, X-Linked 111 and no experimental evidence demonstrating its impact on protein function have been reported. ClinVar contains an entry for this variant (Variation ID: 2390336). Based on the evidence outlined above, the variant was classified as uncertain significance.

Ambry Genetics
Classification: Uncertain significance. Last evaluated: 2022-10-04. Review status: criteria provided, single submitter. Criteria: Ambry Variant Classification Scheme 2023. Collection method: clinical testing. Allele origin: germline.